The following is an entry in ClinVar:

ClinVar aggregate classification (germline): Likely benign (1 of 4 stars; one submission).

Submission:

GeneDx
Classification: Likely benign. Last evaluated: 2017-08-04. Review status: criteria provided, single submitter. Criteria: GeneDx Variant Classification (06012015). Collection method: clinical testing. Allele origin: germline. Affected: yes.
Comment: This variant is considered likely benign or benign based on one or more of the following criteria: it is a conservative change, it occurs at a poorly conserved position in the protein, it is predicted to be benign by multiple in silico algorithms, and/or has population frequency not consistent with disease.

NM_001164277.2(SLC37A4):c.-196+14C>T

Gene: SLC37A4 (solute carrier family 37 member 4; minus strand). Cytogenetic location: 11q23.3.
Variant type: single nucleotide variant.
Coding change: c.-196+14C>T on transcript NM_001164277.2 (MANE Select); 14 bases into the intron after 196 bases upstream of the start codon, C replaced by T.
Molecular consequence: intron variant.
Genome position (GRCh38, 1-based): chr11:119,030,218, G>A on the plus strand (C>T on the coding strand, the complement: SLC37A4 is on the minus strand). VCF-style: chr11-119030218-G-A. GRCh37 (hg19) VCF-style: chr11-118900928-G-A.
Other names: c.-345+631C>T (NM_001164279.2); c.-196+631C>T (NM_001467.6); c.-196+330C>T (NM_001164278.2).
Identifiers: ClinVar variation 510972 (VCV000510972.1), dbSNP rs1555192097, ClinGen allele CA658797818.